The following is an entry in ClinVar:

NM_001040108.2(MLH3):c.60C>T (p.Ser20=)

Gene: MLH3 (mutL homolog 3; minus strand). Cytogenetic location: 14q24.3.
Variant type: single nucleotide variant.
Coding change: c.60C>T on transcript NM_001040108.2 (MANE Select); coding-DNA position 60, C replaced by T.
Protein change: p.Ser20=; no amino-acid change (serine 20 retained).
Molecular consequence: synonymous variant.
Genome position (GRCh38, 1-based): chr14:75,049,596, G>A on the plus strand (C>T on the coding strand, the complement: MLH3 is on the minus strand). VCF-style: chr14-75049596-G-A. GRCh37 (hg19) VCF-style: chr14-75516299-G-A.
Other names: c.60C>T, p.Ser20= (NM_014381.3).
Identifiers: ClinVar variation 1751594 (VCV001751594.8), dbSNP rs1892530678, ClinGen allele CA487274491.

ClinVar aggregate classification (germline): Benign/Likely benign. Review status: criteria provided, multiple submitters, no conflicts (2 of 4 stars). 3 submissions from 3 submitters: Benign (1); Likely benign (2). Last evaluated 2026-04-28.

Conditions:
Colorectal cancer, hereditary nonpolyposis, type 7. Identifiers: Orphanet 144, MedGen C1858380, MONDO:0013725, OMIM 614385.

Allele frequency attached by ClinVar (database versions not stated): gnomAD exomes below 0.00001; TOPMed 0.00001.

Submissions (3):

Myriad Genetics, Inc.
Classification: Benign for Colorectal cancer, hereditary nonpolyposis, type 7. Last evaluated: 2026-04-28. Review status: criteria provided, single submitter. Criteria: Myriad Autosomal Dominant, Autosomal Recessive and X-Linked Classification Criteria (2023). Collection method: clinical testing. Allele origin: unknown.
Comment: This variant is considered benign. This variant is a silent/synonymous amino acid change and it is not expected to impact splicing.

Labcorp Genetics (formerly Invitae), Labcorp
Classification: Likely benign for Colorectal cancer, hereditary nonpolyposis, type 7. Last evaluated: 2025-09-11. Review status: criteria provided, single submitter. Criteria: Invitae Variant Classification Sherloc (09022015). Collection method: clinical testing. Allele origin: germline.

Ambry Genetics
Classification: Likely benign. Last evaluated: 2020-01-05. Review status: criteria provided, single submitter. Criteria: Ambry Variant Classification Scheme 2023. Collection method: clinical testing. Allele origin: germline.